The following is an entry in ClinVar:

ClinVar aggregate classification (germline): Uncertain significance. Review status: criteria provided, multiple submitters, no conflicts (2 of 4 stars). 6 submissions from 6 submitters: Uncertain significance (6). Last evaluated 2025-11-02.

Conditions:
Hereditary breast ovarian cancer syndrome. Also called: Hereditary breast and ovarian cancer; Hereditary breast and/or ovarian cancer syndrome; Hereditary breast and ovarian cancer syndrome; Hereditary breast and ovarian cancer syndrome (HBOC); Breast and ovarian cancer; BRCA1- and BRCA2-Associated Hereditary Breast and Ovarian Cancer. Identifiers: Orphanet 145, MedGen C0677776, MeSH D061325, MONDO:0003582. Disease mechanism: loss of function.
Hereditary cancer-predisposing syndrome. Also called: Hereditary neoplastic syndrome; Tumor predisposition; Neoplastic Syndromes, Hereditary; Hereditary Cancer Syndrome. Identifiers: Orphanet 140162, MedGen C0027672, MeSH D009386, MONDO:0015356.

Allele frequency attached by ClinVar (database versions not stated): gnomAD exomes below 0.00001; TOPMed below 0.00001; ExAC 0.00001; gnomAD 0.00001; 1000 Genomes Project 30x 0.00016; 1000 Genomes Project 0.00020.
gnomAD v4.1: 1 of 1,569,368 alleles (0.000064%); highest among the groups gnomAD compares: Admixed American, 0.0017%; no homozygotes.

Submissions (6):

Labcorp Genetics (formerly Invitae), Labcorp
Classification: Uncertain significance for Hereditary breast ovarian cancer syndrome. Last evaluated: 2025-11-02. Review status: criteria provided, single submitter. Criteria: Invitae Variant Classification Sherloc (09022015). Collection method: clinical testing. Allele origin: germline.
Comment: This sequence change replaces lysine, which is basic and polar, with threonine, which is neutral and polar, at codon 2308 of the BRCA2 protein (p.Lys2308Thr). This variant is present in population databases (rs186810431, gnomAD 0.003%). This missense change has been observed in individual(s) with breast cancer (PMID: 31331294). ClinVar contains an entry for this variant (Variation ID: 421193). Invitae Evidence Modeling of protein sequence and biophysical properties (such as structural, functional, and spatial information, amino acid conservation, physicochemical variation, residue mobility, and thermodynamic stability) indicates that this missense variant is not expected to disrupt BRCA2 protein function with a negative predictive value of 95%. In summary, the available evidence is currently insufficient to determine the role of this variant in disease. Therefore, it has been classified as a Variant of Uncertain Significance.

Quest Diagnostics Nichols Institute San Juan Capistrano
Classification: Uncertain significance. Last evaluated: 2025-10-09. Review status: criteria provided, single submitter. Criteria: Quest Diagnostics criteria. Collection method: clinical testing. Allele origin: unknown.
Comment: The BRCA2 c.6923A>C (p.Lys2308Thr) variant has been detected in at least one individual with breast cancer in the published literature (PMID: 31331294 (2019)). However, it has been reported as functionally neutral/benign based on published computational analysis (PMID: 35729312 (2022)). The frequency of this variant in the general population (Genome Aggregation Database) is uninformative in the assessment of its pathogenicity. Analysis of this variant using bioinformatics tools for the prediction of the effect of amino acid changes on protein structure and function yielded predictions that this variant is damaging. Based on the available information, we are unable to determine the clinical significance of this variant.

Ambry Genetics
Classification: Uncertain significance for Hereditary cancer-predisposing syndrome. Last evaluated: 2024-12-04. Review status: criteria provided, single submitter. Criteria: Ambry Variant Classification Scheme 2023. Collection method: clinical testing. Allele origin: germline.
Comment: The p.K2308T variant (also known as c.6923A>C), located in coding exon 11 of the BRCA2 gene, results from an A to C substitution at nucleotide position 6923. The lysine at codon 2308 is replaced by threonine, an amino acid with similar properties. This amino acid position is highly conserved in available vertebrate species. In addition, the in silico prediction for this alteration is inconclusive. Since supporting evidence is limited at this time, the clinical significance of this alteration remains unclear.

Women's Health and Genetics/Laboratory Corporation of America, LabCorp
Classification: Uncertain significance. Last evaluated: 2024-03-07. Review status: criteria provided, single submitter. Criteria: LabCorp Variant Classification Summary - May 2015. Collection method: clinical testing. Allele origin: germline.
Comment: Variant summary: BRCA2 c.6923A>C (p.Lys2308Thr) results in a non-conservative amino acid change in the encoded protein sequence. Five of five in-silico tools predict a damaging effect of the variant on protein function. The variant allele was found at a frequency of 4e-06 in 250072 control chromosomes. The available data on variant occurrences in the general population are insufficient to allow any conclusion about variant significance. c.6923A>C has been reported in the literature in at-least one individual affected with hereditary breast cancer (Zayas-Villanueva_2019). This report does not provide unequivocal conclusions about association of the variant with Hereditary Breast And Ovarian Cancer Syndrome. To our knowledge, no experimental evidence demonstrating an impact on protein function has been reported. The following publication have been ascertained in the context of this evaluation (PMID: 31331294). ClinVar contains an entry for this variant (Variation ID: 421193). Based on the evidence outlined above, the variant was classified as uncertain significance.

Color Diagnostics, LLC DBA Color Health
Classification: Uncertain significance for Hereditary cancer-predisposing syndrome. Last evaluated: 2019-10-09. Review status: criteria provided, single submitter. Criteria: ACMG Guidelines, 2015. Collection method: clinical testing. Allele origin: germline.
Comment: This missense variant replaces lysine with threonine at codon 2308 of the BRCA2 protein. Computational prediction suggests that this variant may not impact protein structure and function (internally defined REVEL score threshold <= 0.5, PMID: 27666373). Splice site prediction tools suggest that this variant may not impact RNA splicing. To our knowledge, functional studies have not been performed for this variant. This variant has not been reported in individuals affected with hereditary cancer in the literature. This variant has been identified in 1/250072 chromosomes in the general population by the Genome Aggregation Database (gnomAD). The available evidence is insufficient to determine the role of this variant in disease conclusively. Therefore, this variant is classified as a Variant of Uncertain Significance.

GeneDx
Classification: Uncertain significance. Last evaluated: 2016-05-11. Review status: criteria provided, single submitter. Criteria: GeneDx Variant Classification (06012015). Collection method: clinical testing. Allele origin: germline. Affected: yes.
Comment: This variant is denoted BRCA2 c.6923A>C at the cDNA level, p.Lys2308Thr (K2308T) at the protein level, and results in the change of a Lysine to a Threonine (AAA>ACA). Using alternate nomenclature, this variant would be defined as BRCA2 7151A>C. This variant has not, to our knowledge, been published in the literature as pathogenic or benign. BRCA2 Lys2308Thr was not observed at significant allele frequency in the 1000 Genomes Project. Since Lysine and Threonine differ in some properties, this is considered a semi-conservative amino acid substitution. BRCA2 Lys2308Thr occurs at a position where amino acids with properties similar to Lysine are tolerated across species and is not located in a known functional domain. In silico analyses are inconsistent regarding the effect this variant may have on protein structure and function. Based on currently available evidence, it is unclear whether BRCA2 Lys2308Thr is a pathogenic or benign variant. We consider it to be a variant of uncertain significance.

Literature cited by the submitters: PubMed 31331294 (cited by 3 submitters); PubMed 31911673 (cited by Quest Diagnostics Nichols Institute San Juan Capistrano); PubMed 35729312 (cited by Quest Diagnostics Nichols Institute San Juan Capistrano).

NM_000059.4(BRCA2):c.6923A>C (p.Lys2308Thr)

Gene: BRCA2 (BRCA2 DNA repair associated; plus strand). Cytogenetic location: 13q13.1.
Variant type: single nucleotide variant.
Coding change: c.6923A>C on transcript NM_000059.4 (MANE Select); coding-DNA position 6923, A replaced by C.
Protein change: p.Lys2308Thr; replaces lysine 2308 with threonine.
Molecular consequence: missense variant.
Genome position (GRCh38, 1-based): chr13:32,344,639, A>C. VCF-style: chr13-32344639-A-C. GRCh37 (hg19) VCF-style: chr13-32918776-A-C.
Other names: short protein forms K2308T.
Identifiers: ClinVar variation 421193 (VCV000421193.22), dbSNP rs186810431, ClinGen allele CA6941014.